The following is an entry in ClinVar:

NM_001378211.1(SHOC1):c.1774C>T (p.Arg592Ter)

Gene: SHOC1 (shortage in chiasmata 1; minus strand). Cytogenetic location: 9q31.3.
Variant type: single nucleotide variant.
Coding change: c.1774C>T on transcript NM_001378211.1 (MANE Select); coding-DNA position 1774, C replaced by T.
Protein change: p.Arg592Ter; replaces arginine 592 with a stop codon.
Molecular consequence: nonsense. On other transcripts: non-coding transcript variant (1).
Genome position (GRCh38, 1-based): chr9:111,727,693, G>A on the plus strand (C>T on the coding strand, the complement: SHOC1 is on the minus strand). VCF-style: chr9-111727693-G-A. GRCh37 (hg19) VCF-style: chr9-114489973-G-A.
Other names: SHOC1, ARG528TER (rs1004968910); R528*; c.1465C>T, p.Arg489Ter (NM_001080551.3, NM_001378212.1); c.1582C>T, p.Arg528Ter (NM_173521.5); c.1582C>T (NM_173521.4); short protein forms R489*, R592*.
Identifiers: ClinVar variation 1693564 (VCV001693564.2), dbSNP rs1004968910, ClinGen allele CA198435088.

ClinVar aggregate classification (germline): Pathogenic/Likely pathogenic. Review status: no assertion criteria provided (0 of 4 stars). 2 submissions from 2 submitters: Pathogenic (1); Likely pathogenic (1). Last evaluated 2024-03-04.

Conditions:
Spermatogenic failure 75 (SPGF75). Identifiers: MedGen C5677014, MONDO:0030984, OMIM 619949.
SHOC1-related condition.

Allele frequency attached by ClinVar (database versions not stated): gnomAD exomes 0.00001; gnomAD 0.00003; TOPMed 0.00003.
gnomAD v4.1: 14 of 1,606,286 alleles (0.00087%); highest among the groups gnomAD compares: African/African-American, 0.0067%; no homozygotes.

Submissions (2):

PreventionGenetics, part of Exact Sciences
Classification: Likely pathogenic for SHOC1-related condition. Last evaluated: 2024-03-04. Review status: no assertion criteria provided. Collection method: clinical testing. Allele origin: germline.
Comment: The SHOC1 c.1582C>T variant is predicted to result in premature protein termination (p.Arg528*). This variant was reported in the compound heterozygous state with a second premature termination variant in two siblings with azoospermia (Yao et al. 2021. PubMed ID: 32900840). This variant is reported in 0.012% of alleles in individuals of African descent in gnomAD. Nonsense variants in SHOC1 are expected to be pathogenic. This variant is interpreted as likely pathogenic.

OMIM
Classification: Pathogenic for SPERMATOGENIC FAILURE 75. Last evaluated: 2022-07-06. Review status: no assertion criteria provided. Collection method: literature only. Allele origin: germline.

Literature cited by the submitters: PubMed 32900840 (cited by OMIM).